The following is an entry in ClinVar:

ClinVar aggregate classification (germline): Likely pathogenic. Review status: criteria provided, single submitter (1 of 4 stars). 5 submissions from 5 submitters: Likely pathogenic (1). 4 of the submissions do not count toward it. Last evaluated 2023-12-05.

Conditions:
Spinocerebellar ataxia 44. Identifiers: Orphanet 631095, MedGen C4521563, MONDO:0033479, OMIM 617691.

Submissions (5):

Athena Diagnostics
Classification: Likely pathogenic. Last evaluated: 2023-12-05. Review status: criteria provided, single submitter. Criteria: Athena Diagnostics Criteria. Collection method: clinical testing. Allele origin: unknown.
Comment: This variant has been identified in at least one individual with autosomal dominant spinocerebellar ataxia. This variant has not been reported in large, multi-ethnic general populations. Assessment of experimental evidence suggests this variant results in abnormal protein function. (PMID: 28886343)

O&I group, Department of Genetics, University Medical Center of Groningen
Classification: Pathogenic for Spinocerebellar ataxia 44. Last evaluated: 2021-07-22. Review status: no assertion criteria provided. Collection method: research. Allele origin: inherited. Affected: yes. Not counted in ClinVar's aggregate classification.

OMIM
Classification: Pathogenic for SPINOCEREBELLAR ATAXIA 44. Last evaluated: 2020-11-18. Review status: no assertion criteria provided. Collection method: literature only. Allele origin: germline. Not counted in ClinVar's aggregate classification.

Diagnostic Laboratory, Department of Genetics, University Medical Center Groningen
Classification: Uncertain significance. Review status: no assertion criteria provided. Collection method: clinical testing. Allele origin: germline. Affected: yes. Study: VKGL Data-share Consensus. Not counted in ClinVar's aggregate classification.

Joint Genome Diagnostic Labs from Nijmegen and Maastricht, Radboudumc and MUMC+
Classification: Uncertain significance. Review status: no assertion criteria provided. Collection method: clinical testing. Allele origin: germline. Affected: yes. Study: VKGL Data-share Consensus. Not counted in ClinVar's aggregate classification.

Literature cited by the submitters: PubMed 28886343 (cited by Athena Diagnostics); PubMed 35401678 (cited by Athena Diagnostics); DOI 10.3389/fgene.2022.782685 (cited by O&I group, Department of Genetics, University Medical Center of Groningen); Watson, L. M., Bamber, E., Schnekenberg, R. P., Williams, J., Bettencourt, C., Jayawant, S., Lickiss, J., Fawcett, K., Clokie, S., Wallis, Y., Clouston, P., Sims, D., Houlden, H., Becker, E. B. E., Nemeth, A. H. Dominant mutations in GRM1 cause spinocerebellar ataxia type 44. Am. J. Hum. Genet. 101: 451-458, 2017. Note: Erratum: Am. J. Hum. Genet. 101: 638 only, 2017. Erratum: Am. J. Hum. Genet. 101: 866 only, 2017. (cited by OMIM).

NM_001278064.2(GRM1):c.2375A>G (p.Tyr792Cys)

Gene: GRM1 (glutamate metabotropic receptor 1; plus strand). Cytogenetic location: 6q24.3.
Variant type: single nucleotide variant.
Coding change: c.2375A>G on transcript NM_001278064.2 (MANE Select); coding-DNA position 2375, A replaced by G.
Protein change: p.Tyr792Cys; replaces tyrosine 792 with cysteine.
Molecular consequence: missense variant.
Genome position (GRCh38, 1-based): chr6:146,399,414, A>G. VCF-style: chr6-146399414-A-G. GRCh37 (hg19) VCF-style: chr6-146720550-A-G.
Other names: c.2375A>G, p.Tyr792Cys (NM_001278065.2, NM_001278066.1, NM_001278067.1); short protein forms Y792C.
Identifiers: ClinVar variation 438855 (VCV000438855.33), dbSNP rs1554308513, ClinGen allele CA366195453.
Genomic context (GRCh38, chr6:146,399,414, plus strand): 5'-TCAAGACCCGCAACGTGCCCGCCAACTTCAACGAGGCCAAATATATCGCGTTCACCATGT[A>G]CACCACCTGTATCATCTGGCTAGCTTTTGTGCCCATTTACTTTGGGAGCAACTACAAGAT-3'
Protein context (NP_001264993.1, residues 782-802): NEAKYIAFTM[Tyr792Cys]TTCIIWLAFV